The following is an entry in ClinVar:

ClinVar aggregate classification (germline): Benign/Likely benign. Review status: criteria provided, multiple submitters, no conflicts (2 of 4 stars). 3 submissions from 3 submitters: Benign (1); Likely benign (2). Last evaluated 2025-07-23.

Conditions:
Hereditary cancer-predisposing syndrome. Also called: Hereditary Cancer Syndrome; Hereditary neoplastic syndrome; Tumor predisposition; Neoplastic Syndromes, Hereditary. Identifiers: Orphanet 140162, MedGen C0027672, MeSH D009386, MONDO:0015356.
Oligodontia-cancer predisposition syndrome. Also called: TOOTH AGENESIS-COLORECTAL CANCER SYNDROME. Identifiers: Orphanet 300576, MedGen C1837750, MONDO:0012075, OMIM 608615. Disease mechanism: loss of function.

Allele frequency attached by ClinVar (database versions not stated): TOPMed 0.00001.
gnomAD v4.1: 5 of 1,606,920 alleles (0.00031%); highest among the groups gnomAD compares: Middle Eastern, 0.017%; no homozygotes.

Submissions (3):

Labcorp Genetics (formerly Invitae), Labcorp
Classification: Likely benign for Oligodontia-cancer predisposition syndrome. Last evaluated: 2025-07-23. Review status: criteria provided, single submitter. Criteria: Invitae Variant Classification Sherloc (09022015). Collection method: clinical testing. Allele origin: germline.

Myriad Genetics, Inc.
Classification: Benign for Oligodontia-cancer predisposition syndrome. Last evaluated: 2024-07-03. Review status: criteria provided, single submitter. Criteria: Myriad Autosomal Dominant, Autosomal Recessive and X-Linked Classification Criteria (2023). Collection method: clinical testing. Allele origin: unknown.
Comment: This variant is considered benign. This variant is a silent/synonymous amino acid change and it is not expected to impact splicing.

Ambry Genetics
Classification: Likely benign for Hereditary cancer-predisposing syndrome. Last evaluated: 2020-03-17. Review status: criteria provided, single submitter. Criteria: Ambry Variant Classification Scheme 2023. Collection method: clinical testing. Allele origin: germline.

NM_004655.4(AXIN2):c.1449C>T (p.Pro483=)

Gene: AXIN2 (axin 2; minus strand). Cytogenetic location: 17q24.1.
Variant type: single nucleotide variant.
Coding change: c.1449C>T on transcript NM_004655.4 (MANE Select); coding-DNA position 1449, C replaced by T.
Protein change: p.Pro483=; no amino-acid change (proline 483 retained).
Molecular consequence: synonymous variant.
Genome position (GRCh38, 1-based): chr17:65,537,587, G>A on the plus strand (C>T on the coding strand, the complement: AXIN2 is on the minus strand). VCF-style: chr17-65537587-G-A. GRCh37 (hg19) VCF-style: chr17-63533705-G-A.
Other names: c.1449C>T, p.Pro483= (NM_001363813.1).
Identifiers: ClinVar variation 1082499 (VCV001082499.10), dbSNP rs765434564, ClinGen allele CA501691623.